The following is an entry in ClinVar:

ClinVar aggregate classification (germline): Uncertain significance (1 of 4 stars; one submission).

Conditions:
Catecholaminergic polymorphic ventricular tachycardia 1. Also called: VENTRICULAR TACHYCARDIA, CATECHOLAMINERGIC POLYMORPHIC, 1, WITH OR WITHOUT ATRIAL DYSFUNCTION AND/OR DILATED CARDIOMYOPATHY; RYR2-Related Catecholaminergic Polymorphic Ventricular Tachycardia; VENTRICULAR TACHYCARDIA, STRESS-INDUCED POLYMORPHIC 1. Identifiers: Orphanet 3286, MedGen C1631597, MONDO:0011484, OMIM 604772.

Allele frequency attached by ClinVar (database versions not stated): gnomAD exomes below 0.00001.
gnomAD v4.1: 2 of 1,611,978 alleles (0.00012%); highest among the groups gnomAD compares: Non-Finnish European, 0.00017%; no homozygotes.

Submission:

Labcorp Genetics (formerly Invitae), Labcorp
Classification: Uncertain significance for Catecholaminergic polymorphic ventricular tachycardia 1. Last evaluated: 2022-08-25. Review status: criteria provided, single submitter. Criteria: Invitae Variant Classification Sherloc (09022015). Collection method: clinical testing. Allele origin: germline.
Comment: In summary, the available evidence is currently insufficient to determine the role of this variant in disease. Therefore, it has been classified as a Variant of Uncertain Significance. Algorithms developed to predict the effect of missense changes on protein structure and function are either unavailable or do not agree on the potential impact of this missense change (SIFT: "Deleterious"; PolyPhen-2: "Benign"; Align-GVGD: "Class C25"). This variant has not been reported in the literature in individuals affected with RYR2-related conditions. This variant is not present in population databases (gnomAD no frequency). This sequence change replaces valine, which is neutral and non-polar, with isoleucine, which is neutral and non-polar, at codon 3551 of the RYR2 protein (p.Val3551Ile).

NM_001035.3(RYR2):c.10651G>A (p.Val3551Ile)

Gene: RYR2 (ryanodine receptor 2; plus strand). Cytogenetic location: 1q43.
Variant type: single nucleotide variant.
Coding change: c.10651G>A on transcript NM_001035.3 (MANE Select); coding-DNA position 10651, G replaced by A.
Protein change: p.Val3551Ile; replaces valine 3551 with isoleucine.
Molecular consequence: missense variant.
Genome position (GRCh38, 1-based): chr1:237,723,224, G>A. VCF-style: chr1-237723224-G-A. GRCh37 (hg19) VCF-style: chr1-237886524-G-A.
Other names: short protein forms V3551I.
Identifiers: ClinVar variation 1989758 (VCV001989758.4), dbSNP rs2547479467, ClinGen allele CA345416174.